The following is an entry in ClinVar:

NM_001193511.2(MAP3K12):c.389_390del (p.Pro130fs)

Gene: MAP3K12 (mitogen-activated protein kinase kinase kinase 12; minus strand). Cytogenetic location: 12q13.13.
Variant type: Deletion.
Coding change: c.389_390del on transcript NM_001193511.2 (MANE Select); coding-DNA positions 389 to 390, 2 bases deleted (CT; older notation c.389_390delCT).
Protein change: p.Pro130fs; shifts the reading frame from proline 130.
Molecular consequence: frameshift variant.
Genome position (GRCh38, 1-based): chr12:53,487,002-53,487,003, AG deleted on the plus strand (CT on the coding strand, the reverse complement: MAP3K12 is on the minus strand). VCF-style (leftmost placement, unchanged base first): chr12-53487001-CAG-C. GRCh37 (hg19) VCF-style: chr12-53880785-CAG-C.
Other names: c.290_291del, p.Pro97fs (NM_006301.4); short protein forms P130fs, P97fs.
Identifiers: ClinVar variation 1710465 (VCV001710465.3), dbSNP rs2499344668, ClinGen allele CA645586759.

ClinVar aggregate classification (germline): Uncertain significance (1 of 4 stars; one submission).

Submission:

Greenwood Genetic Center Diagnostic Laboratories, Greenwood Genetic Center
Classification: Uncertain significance. Last evaluated: 2022-07-28. Review status: criteria provided, single submitter. Criteria: ACMG Guidelines, 2015. Collection method: clinical testing. Allele origin: germline. Affected: yes.
Comment: Gene of Uncertain Significance